The following is an entry in ClinVar:

ClinVar aggregate classification (germline): Conflicting classifications of pathogenicity. Review status: criteria provided, conflicting classifications (1 of 4 stars). 3 submissions from 3 submitters: Uncertain significance (2); Likely benign (1). Last evaluated 2025-10-07.

Conditions:
Inborn genetic diseases. Identifiers: MedGen C0950123, MeSH D030342.
Facioscapulohumeral muscular dystrophy 2 (FSHD2). Also called: FACIOSCAPULOHUMERAL MUSCULAR DYSTROPHY 2, DIGENIC; FSHD2, DIGENIC; MUSCULAR DYSTROPHY, FACIOSCAPULOHUMERAL, TYPE 1B. Identifiers: Orphanet 269, MedGen C1834671, MONDO:0008031, OMIM 158901.

Allele frequency attached by ClinVar (database versions not stated): gnomAD 0.00001; ExAC 0.00002; gnomAD exomes 0.00002 and 0.00006; ESP Exome Variant Server 0.00008.
gnomAD v4.1: 85 of 1,601,558 alleles (0.0053%); highest among the groups gnomAD compares: Non-Finnish European, 0.007%; no homozygotes.

Submissions (3):

Ambry Genetics
Classification: Uncertain significance for Inborn genetic diseases. Last evaluated: 2025-10-07. Review status: criteria provided, single submitter. Criteria: Ambry Variant Classification Scheme 2023. Collection method: clinical testing. Allele origin: germline.

Labcorp Genetics (formerly Invitae), Labcorp
Classification: Uncertain significance for Facioscapulohumeral muscular dystrophy 2. Last evaluated: 2023-06-06. Review status: criteria provided, single submitter. Criteria: Invitae Variant Classification Sherloc (09022015). Collection method: clinical testing. Allele origin: germline.
Comment: Advanced modeling of protein sequence and biophysical properties (such as structural, functional, and spatial information, amino acid conservation, physicochemical variation, residue mobility, and thermodynamic stability) performed at Invitae indicates that this missense variant is not expected to disrupt SMCHD1 protein function. ClinVar contains an entry for this variant (Variation ID: 1523970). This variant has not been reported in the literature in individuals affected with SMCHD1-related conditions. This variant is present in population databases (rs375259752, gnomAD 0.006%). This sequence change replaces arginine, which is basic and polar, with serine, which is neutral and polar, at codon 187 of the SMCHD1 protein (p.Arg187Ser). In summary, the available evidence is currently insufficient to determine the role of this variant in disease. Therefore, it has been classified as a Variant of Uncertain Significance.

Blueprint Genetics
Classification: Likely benign. Last evaluated: 2022-10-20. Review status: criteria provided, single submitter. Criteria: ACMG Guidelines, 2015. Collection method: clinical testing. Allele origin: germline.

NM_015295.3(SMCHD1):c.561A>T (p.Arg187Ser)

Gene: SMCHD1 (structural maintenance of chromosomes flexible hinge domain containing 1; plus strand). Cytogenetic location: 18p11.32.
Variant type: single nucleotide variant.
Coding change: c.561A>T on transcript NM_015295.3 (MANE Select); coding-DNA position 561, A replaced by T.
Protein change: p.Arg187Ser; replaces arginine 187 with serine.
Molecular consequence: missense variant.
Genome position (GRCh38, 1-based): chr18:2,674,068, A>T. VCF-style: chr18-2674068-A-T. GRCh37 (hg19) VCF-style: chr18-2674067-A-T.
Other names: c.561A>T (NM_015295.2); short protein forms R187S.
Identifiers: ClinVar variation 1523970 (VCV001523970.8), dbSNP rs375259752, ClinGen allele CA8870582.